The following is an entry in ClinVar:

NM_021813.4(BACH2):c.388C>A (p.Gln130Lys)

Gene: BACH2 (BACH transcriptional regulator 2; minus strand). Cytogenetic location: 6q15.
Variant type: single nucleotide variant.
Coding change: c.388C>A on transcript NM_021813.4 (MANE Select); coding-DNA position 388, C replaced by A.
Protein change: p.Gln130Lys; replaces glutamine 130 with lysine.
Molecular consequence: missense variant.
Genome position (GRCh38, 1-based): chr6:89,951,718, G>T on the plus strand (C>A on the coding strand, the complement: BACH2 is on the minus strand). VCF-style: chr6-89951718-G-T. GRCh37 (hg19) VCF-style: chr6-90661437-G-T.
Other names: c.388C>A, p.Gln130Lys (NM_001170794.2); short protein forms Q130K.
Identifiers: ClinVar variation 3000018 (VCV003000018.3), dbSNP rs776001544, ClinGen allele CA3928178.

ClinVar aggregate classification (germline): Uncertain significance (1 of 4 stars; one submission).

Allele frequency attached by ClinVar (database versions not stated): ExAC 0.00001.
gnomAD v4.1: 2 of 1,614,248 alleles (0.00012%); highest among the groups gnomAD compares: Middle Eastern, 0.016%; no homozygotes.

Submission:

Labcorp Genetics (formerly Invitae), Labcorp
Classification: Uncertain significance. Last evaluated: 2023-06-24. Review status: criteria provided, single submitter. Criteria: Invitae Variant Classification Sherloc (09022015). Collection method: clinical testing. Allele origin: germline.
Comment: This sequence change replaces glutamine, which is neutral and polar, with lysine, which is basic and polar, at codon 130 of the BACH2 protein (p.Gln130Lys). This variant is present in population databases (rs776001544, gnomAD no frequency). In summary, the available evidence is currently insufficient to determine the role of this variant in disease. Therefore, it has been classified as a Variant of Uncertain Significance. Advanced modeling of protein sequence and biophysical properties (such as structural, functional, and spatial information, amino acid conservation, physicochemical variation, residue mobility, and thermodynamic stability) performed at Invitae indicates that this missense variant is not expected to disrupt BACH2 protein function. This variant has not been reported in the literature in individuals affected with BACH2-related conditions.